The following is an entry in ClinVar:

ClinVar aggregate classification (germline): Uncertain significance. Review status: criteria provided, multiple submitters, no conflicts (2 of 4 stars). 2 submissions from 2 submitters: Uncertain significance (2). Last evaluated 2023-07-13.

Conditions:
Inborn genetic diseases. Identifiers: MedGen C0950123, MeSH D030342.
PCNT-related disorder. Also called: PCNT-related condition.

gnomAD v4.1: 8 of 1,565,204 alleles (0.00051%); highest among the groups gnomAD compares: African/African-American, 0.0014%; no homozygotes.

Submissions (2):

PreventionGenetics, part of Exact Sciences
Classification: Uncertain significance for PCNT-related condition. Last evaluated: 2023-07-13. Review status: criteria provided, single submitter. Criteria: ACMG Guidelines, 2015. Collection method: clinical testing. Allele origin: germline.
Comment: The PCNT c.6761G>T variant is predicted to result in the amino acid substitution p.Cys2254Phe. To our knowledge, this variant has not been reported in the literature or in a large population database, indicating this variant is rare. At this time, the clinical significance of this variant is uncertain due to the absence of conclusive functional and genetic evidence.

Ambry Genetics
Classification: Uncertain significance for Inborn genetic diseases. Last evaluated: 2021-10-12. Review status: criteria provided, single submitter. Criteria: Ambry Variant Classification Scheme 2023. Collection method: clinical testing. Allele origin: germline.

NM_006031.6(PCNT):c.6761G>T (p.Cys2254Phe)

Gene: PCNT (pericentrin; plus strand). Cytogenetic location: 21q22.3.
Variant type: single nucleotide variant.
Coding change: c.6761G>T on transcript NM_006031.6 (MANE Select); coding-DNA position 6761, G replaced by T.
Protein change: p.Cys2254Phe; replaces cysteine 2254 with phenylalanine.
Molecular consequence: missense variant.
Genome position (GRCh38, 1-based): chr21:46,416,679, G>T. VCF-style: chr21-46416679-G-T. GRCh37 (hg19) VCF-style: chr21-47836593-G-T.
Other names: c.6407G>T, p.Cys2136Phe (NM_001315529.2); short protein forms C2136F, C2254F.
Identifiers: ClinVar variation 2255038 (VCV002255038.3), dbSNP rs141635334, ClinGen allele CA410564566.
Genomic context (GRCh38, chr21:46,416,679, plus strand): 5'-GGACCCTGGAGCCCTGGCCCAGCCTCCCCGTGACACCCCACTCAGGAGCCCTGAGCCTGT[G>T]CAGTGCCGACACATCCCTGGGGGACAGGGCGGACACCTCGCTGCCACAGACCCAGGGGCC-3'
Protein context (NP_006022.3, residues 2244-2264): VTPHSGALSL[Cys2254Phe]SADTSLGDRA